The following is an entry in ClinVar:

NM_001365480.1(CCDC88A):c.472G>A (p.Ala158Thr)

Gene: CCDC88A (coiled-coil and HOOK domain protein 88A; minus strand). Cytogenetic location: 2p16.1.
Variant type: single nucleotide variant.
Coding change: c.472G>A on transcript NM_001365480.1 (MANE Select); coding-DNA position 472, G replaced by A.
Protein change: p.Ala158Thr; replaces alanine 158 with threonine.
Molecular consequence: missense variant.
Genome position (GRCh38, 1-based): chr2:55,363,964, C>T on the plus strand (G>A on the coding strand, the complement: CCDC88A is on the minus strand). VCF-style: chr2-55363964-C-T. GRCh37 (hg19) VCF-style: chr2-55591100-C-T.
Other names: c.472G>A, p.Ala158Thr (NM_001135597.2, NM_001254943.2, NM_018084.5); c.472G>A (NM_001135597.1); short protein forms A158T.
Identifiers: ClinVar variation 1395223 (VCV001395223.8), dbSNP rs779341249, ClinGen allele CA1666378.
Genomic context (GRCh38, chr2:55,363,964, plus strand): 5'-CCACAAGCTTCATAAATAGCACGTAAAATTGTATATATGTCATTACCTCTTGAATATGTG[C>T]GGCAACCGCTGCTTTTGTATCAAAATCTAAACCTTGAATTCTTTCAATAAATTCCTCTTT-3'
Protein context (NP_001352409.1, residues 148-168): LDFDTKAAVA[Ala158Thr]HIQEVTHNQE

ClinVar aggregate classification (germline): Uncertain significance. Review status: criteria provided, multiple submitters, no conflicts (2 of 4 stars). 3 submissions from 3 submitters: Uncertain significance (3). Last evaluated 2025-02-22.

Allele frequency attached by ClinVar (database versions not stated): ExAC 0.00004; gnomAD exomes 0.00002; gnomAD 0.00003; TOPMed 0.00003.
gnomAD v4.1: 38 of 1,590,560 alleles (0.0024%); highest among the groups gnomAD compares: Admixed American, 0.0034%; no homozygotes.

Submissions (3):

Ambry Genetics
Classification: Uncertain significance. Last evaluated: 2025-02-22. Review status: criteria provided, single submitter. Criteria: Ambry Variant Classification Scheme 2023. Collection method: clinical testing. Allele origin: germline.

GeneDx
Classification: Uncertain significance. Last evaluated: 2024-09-26. Review status: criteria provided, single submitter. Criteria: GeneDx Variant Classification Process June 2021. Collection method: clinical testing. Allele origin: germline.
Comment: In silico analysis supports that this missense variant has a deleterious effect on protein structure/function; Has not been previously published as pathogenic or benign to our knowledge

Labcorp Genetics (formerly Invitae), Labcorp
Classification: Uncertain significance. Last evaluated: 2022-09-28. Review status: criteria provided, single submitter. Criteria: Invitae Variant Classification Sherloc (09022015). Collection method: clinical testing. Allele origin: germline.
Comment: This sequence change replaces alanine, which is neutral and non-polar, with threonine, which is neutral and polar, at codon 158 of the CCDC88A protein (p.Ala158Thr). The frequency data for this variant in the population databases is considered unreliable, as metrics indicate poor data quality at this position in the gnomAD database. This variant has not been reported in the literature in individuals affected with CCDC88A-related conditions. ClinVar contains an entry for this variant (Variation ID: 1395223). Algorithms developed to predict the effect of missense changes on protein structure and function are either unavailable or do not agree on the potential impact of this missense change (SIFT: "Deleterious"; PolyPhen-2: "Possibly Damaging"; Align-GVGD: "Class C0"). In summary, the available evidence is currently insufficient to determine the role of this variant in disease. Therefore, it has been classified as a Variant of Uncertain Significance.